The following is an entry in ClinVar:

ClinVar aggregate classification (germline): Likely pathogenic (3 of 4 stars; one submission).

Conditions:
Open-angle glaucoma. Identifiers: MedGen C0017612, MONDO:0005338, HP:0012108.

Submission:

ClinGen Glaucoma Variant Curation Expert Panel
Classification: Likely pathogenic for Open-angle glaucoma. Last evaluated: 2026-02-18. Review status: reviewed by expert panel. Criteria: ClinGen Glaucoma ACMG Specifications V2.0.0 Approved. Collection method: curation. Allele origin: germline. Inheritance: Autosomal dominant inheritance.
Comment: The c.1298G>A variant in MYOC is a missense variant predicted to cause substitution of Cysteine by Tyrosine at amino acid 433 (p.Cys433Tyr). This variant was not found in any genetic ancestry group of gnomAD (v4.1.0), meeting the ≤ 0.0001 threshold set for PM2_Supporting in a genetic ancestry group of at least 10,000 alleles. The REVEL score = 0.956, which met the ≥ 0.932 threshold for PP3_Strong, predicting a damaging effect on MYOC function. The assays in this study (PMID: 40081751), measuring solubility and secretion of the Cys433Tyr protein, did not meet the OddsPath threshold for PS3_Supporting (> 2.1). Only 1 proband with juvenile open angle glaucoma (JOAG) had been reported (PMID: 33793440), not meeting the ≥ 2 probands threshold required to meet PS4_Supporting. Another missense variant (c.1297T>C, p.Cys433Arg, Grantham score = 180, ClinVar ID: 7956) in the same codon, has been classified as pathogenic for JOAG by the ClinGen Glaucoma VCEP. The c.1298G>A, p.Cys433Tyr variant has a higher Grantham score (= 194) than the previously classified amino acid change, was not predicted to affect splicing as assessed with SpliceAI (≤ 0.2), and met PP3, meeting the conditions for PM5 to apply. In summary, this variant met the criteria to receive a score of 6 and to be classified as likely pathogenic (likely pathogenic classification range 6 to 9, adapted from PMID: 32720330) for juvenile open angle glaucoma based on the ACMG/AMP criteria met, as specified by the ClinGen Glaucoma VCEP (v2.0.0, 5 Dec 2024): PP3_Strong, PM5, PM2_Supporting (PP3 and PM5 capped at 5 points)

NM_000261.2(MYOC):c.1298G>A (p.Cys433Tyr)

Gene: MYOC (myocilin; minus strand). Cytogenetic location: 1q24.3.
Variant type: single nucleotide variant.
Coding change: c.1298G>A on transcript NM_000261.2 (MANE Select); coding-DNA position 1298, G replaced by A.
Protein change: p.Cys433Tyr; replaces cysteine 433 with tyrosine.
Molecular consequence: missense variant.
Genome position (GRCh38, 1-based): chr1:171,636,142, C>T on the plus strand (G>A on the coding strand, the complement: MYOC is on the minus strand). VCF-style: chr1-171636142-C-T. GRCh37 (hg19) VCF-style: chr1-171605282-C-T.
Other names: NM_000261.2:c.1298G>A; short protein forms C433Y.
Identifiers: ClinVar variation 2500839 (VCV002500839.2), dbSNP rs2527838648, ClinGen allele CA343723939.